The following is an entry in ClinVar:

NM_014874.4(MFN2):c.1879A>G (p.Lys627Glu)

Gene: MFN2 (mitofusin 2; plus strand). Cytogenetic location: 1p36.22.
Variant type: single nucleotide variant.
Coding change: c.1879A>G on transcript NM_014874.4 (MANE Select); coding-DNA position 1879, A replaced by G.
Protein change: p.Lys627Glu; replaces lysine 627 with glutamic acid.
Molecular consequence: missense variant.
Genome position (GRCh38, 1-based): chr1:12,007,059, A>G. VCF-style: chr1-12007059-A-G. GRCh37 (hg19) VCF-style: chr1-12067116-A-G.
Other names: c.1879A>G, p.Lys627Glu (NM_001127660.2); short protein forms K627E.
Identifiers: ClinVar variation 851575 (VCV000851575.12), dbSNP rs1163976600, ClinGen allele CA338450157.
Genomic context (GRCh38, chr1:12,007,059, plus strand): 5'-GAGGAGGGTGGGCCACAGAGAGGCTGCACTCCAGGCTGACCATGTGCTCTGCAGGTGTGG[A>G]AGGCAGTGGGCTGGCGGCTCATTGCCCTCTCCTTTGGGCTCTATGGCCTCCTCTACGTCT-3'
Protein context (NP_055689.1, residues 617-637): GILVVGGVVW[Lys627Glu]AVGWRLIALS

ClinVar aggregate classification (germline): Uncertain significance. Review status: criteria provided, multiple submitters, no conflicts (2 of 4 stars). 4 submissions from 4 submitters: Uncertain significance (4). Last evaluated 2026-02-02.

Conditions:
MFN2-related disorder. Also called: MFN2-related disorders; MFN2-related condition.
Charcot-Marie-Tooth disease type 2. Also called: Charcot-Marie-Tooth type 2. Identifiers: Orphanet 64746, MedGen C0270914, MONDO:0018993.

Allele frequency attached by ClinVar (database versions not stated): gnomAD exomes below 0.00001 and 0.00001.
gnomAD v4.1: 5 of 1,613,558 alleles (0.00031%); highest among the groups gnomAD compares: Non-Finnish European, 0.00042%; no homozygotes.

Submissions (4):

PreventionGenetics, part of Exact Sciences
Classification: Uncertain significance for MFN2-related condition. Last evaluated: 2026-02-02. Review status: criteria provided, single submitter. Criteria: ACMG Guidelines, 2015. Collection method: clinical testing. Allele origin: germline.
Comment: The MFN2 c.1879A>G variant is predicted to result in the amino acid substitution p.Lys627Glu. To our knowledge, this variant has not been reported in the literature. This variant is reported in 0.00088% of alleles in individuals of European (Non-Finnish) descent in gnomAD. At this time, the clinical significance of this variant is uncertain due to the absence of conclusive functional and genetic evidence.

Labcorp Genetics (formerly Invitae), Labcorp
Classification: Uncertain significance for Charcot-Marie-Tooth disease type 2. Last evaluated: 2025-06-03. Review status: criteria provided, single submitter. Criteria: Invitae Variant Classification Sherloc (09022015). Collection method: clinical testing. Allele origin: germline.
Comment: This sequence change replaces lysine, which is basic and polar, with glutamic acid, which is acidic and polar, at codon 627 of the MFN2 protein (p.Lys627Glu). This variant is present in population databases (no rsID available, gnomAD 0.0009%). This variant has not been reported in the literature in individuals affected with MFN2-related conditions. ClinVar contains an entry for this variant (Variation ID: 851575). Invitae Evidence Modeling of protein sequence and biophysical properties (such as structural, functional, and spatial information, amino acid conservation, physicochemical variation, residue mobility, and thermodynamic stability) has been performed for this missense variant. However, the output from this modeling did not meet the statistical confidence thresholds required to predict the impact of this variant on MFN2 protein function. In summary, the available evidence is currently insufficient to determine the role of this variant in disease. Therefore, it has been classified as a Variant of Uncertain Significance.

GeneDx
Classification: Uncertain significance. Last evaluated: 2023-07-18. Review status: criteria provided, single submitter. Criteria: GeneDx Variant Classification Process June 2021. Collection method: clinical testing. Allele origin: germline. Affected: yes.
Comment: Not observed at significant frequency in large population cohorts (gnomAD); In silico analysis supports that this missense variant has a deleterious effect on protein structure/function; Has not been previously published as pathogenic or benign to our knowledge

Breakthrough Genomics
Classification: Uncertain significance. Review status: criteria provided, single submitter. Criteria: ACMG Guidelines, 2015. Collection method: not provided. Allele origin: germline. Inheritance: Autosomal recessive inheritance. Affected: yes.